The following is an entry in ClinVar:

NM_000051.4(ATM):c.8554T>A (p.Tyr2852Asn)

Genes: ATM (ATM serine/threonine kinase; plus strand), C11orf65 (chromosome 11 open reading frame 65; minus strand). Cytogenetic location: 11q22.3.
Variant type: single nucleotide variant.
Coding change: c.8554T>A on transcript NM_000051.4 (MANE Select); coding-DNA position 8554, T replaced by A.
Protein change: p.Tyr2852Asn; replaces tyrosine 2852 with asparagine.
Molecular consequence: missense variant. On other transcripts: intron variant (2).
Genome position (GRCh38, 1-based): chr11:108,345,878, T>A. VCF-style: chr11-108345878-T-A. GRCh37 (hg19) VCF-style: chr11-108216605-T-A.
Other names: c.8554T>A, p.Tyr2852Asn (NM_001351834.2); c.641-36807A>T (NM_001330368.2); c.695-10586A>T (NM_001351110.2); short protein forms Y2852N.
Identifiers: ClinVar variation 2833240 (VCV002833240.3), dbSNP rs1064794108, ClinGen allele CA382518483.
Genomic context (GRCh38, chr11:108,345,878, plus strand): 5'-CGTTACTTCTGCATGGAAAAATTCTTGGATCCAGCTATTTGGTTTGAGAAGCGATTGGCT[T>A]ATACGCGCAGTGTAGCTACTTCTTCTATTGGTAATCTTCTTGTACATATAGTAGATTGAG-3'
Protein context (NP_000042.3, residues 2842-2862): PAIWFEKRLA[Tyr2852Asn]TRSVATSSIV

ClinVar aggregate classification (germline): Uncertain significance (1 of 4 stars; one submission).

Conditions:
Ataxia-telangiectasia syndrome (AT). Also called: LOUIS-BAR SYNDROME; Cerebello-oculocutaneous telangiectasia; Immunodeficiency with ataxia telangiectasia; Ataxia telangiectasia (A-T); Ataxia-telangiectasia, complementation group D; AT, COMPLEMENTATION GROUP C. Identifiers: Orphanet 100, MedGen C0004135, MONDO:0008840, OMIM 208900.

Submission:

Labcorp Genetics (formerly Invitae), Labcorp
Classification: Uncertain significance for Ataxia-telangiectasia syndrome. Last evaluated: 2023-01-31. Review status: criteria provided, single submitter. Criteria: Invitae Variant Classification Sherloc (09022015). Collection method: clinical testing. Allele origin: germline.
Comment: In summary, the available evidence is currently insufficient to determine the role of this variant in disease. Therefore, it has been classified as a Variant of Uncertain Significance. Algorithms developed to predict the effect of missense changes on protein structure and function (SIFT, PolyPhen-2, Align-GVGD) all suggest that this variant is likely to be disruptive. This variant has not been reported in the literature in individuals affected with ATM-related conditions. This variant is not present in population databases (gnomAD no frequency). This sequence change replaces tyrosine, which is neutral and polar, with asparagine, which is neutral and polar, at codon 2852 of the ATM protein (p.Tyr2852Asn).